The following is an entry in ClinVar:

NM_005751.5(AKAP9):c.2677_2681del (p.Leu893fs)

Gene: AKAP9 (A-kinase anchoring protein 9; plus strand). Cytogenetic location: 7q21.2.
Variant type: Deletion.
Coding change: c.2677_2681del on transcript NM_005751.5 (MANE Select); coding-DNA positions 2677 to 2681, 5 bases deleted (CTTAA; older notation c.2677_2681delCTTAA).
Protein change: p.Leu893fs; shifts the reading frame from leucine 893.
Molecular consequence: frameshift variant.
Genome position (GRCh38, 1-based): chr7:92,002,594-92,002,598, CTTAA deleted; deleting any 5 consecutive bases within chr7:92,002,592-92,002,598 gives the same sequence; the c. name uses the placement nearest the transcript's 3' end. VCF-style (leftmost placement, unchanged base first): chr7-92002591-AAACTT-A. GRCh37 (hg19) VCF-style: chr7-91631905-AAACTT-A.
Other names: c.2677_2681del, p.Leu893fs (NM_147185.3); short protein forms L893fs.
Identifiers: ClinVar variation 2119968 (VCV002119968.4), dbSNP rs2484694498, ClinGen allele CA2580077464.
Genomic context (GRCh38, chr7:92,002,591, plus strand): 5'-CTCAAAGTAAAAGATGATTTAGAAGACAGTAAAAATAAACAGGAATTAGAGTATAAAAGT[AAACTT>A]AAAGCACTTAATGAAGAGCTTCATTTGCAAAGAATAAATCCAACTACAGTGAAAATGAAA-3'

ClinVar aggregate classification (germline): Uncertain significance (1 of 4 stars; one submission).

Conditions:
Long QT syndrome (LQTS). Identifiers: MedGen C0023976, MeSH D008133, MONDO:0002442. Disease mechanism: loss of function. Inheritance: Various modes of inheritance.

Submission:

Labcorp Genetics (formerly Invitae), Labcorp
Classification: Uncertain significance for Long QT syndrome. Last evaluated: 2022-08-16. Review status: criteria provided, single submitter. Criteria: Invitae Variant Classification Sherloc (09022015). Collection method: clinical testing. Allele origin: germline.
Comment: This sequence change creates a premature translational stop signal (p.Leu893Serfs*3) in the AKAP9 gene. It is expected to result in an absent or disrupted protein product. However, the current clinical and genetic evidence is not sufficient to establish whether loss-of-function variants in AKAP9 cause disease. This variant is not present in population databases (gnomAD no frequency). This variant has not been reported in the literature in individuals affected with AKAP9-related conditions. In summary, the available evidence is currently insufficient to determine the role of this variant in disease. Therefore, it has been classified as a Variant of Uncertain Significance.